The following is an entry in ClinVar:

NM_000298.6(PKLR):c.1614A>T (p.Glu538Asp)

Gene: PKLR (pyruvate kinase L/R; minus strand). Cytogenetic location: 1q22.
Variant type: single nucleotide variant.
Coding change: c.1614A>T on transcript NM_000298.6 (MANE Select); coding-DNA position 1614, A replaced by T.
Protein change: p.Glu538Asp; replaces glutamic acid 538 with aspartic acid.
Molecular consequence: missense variant.
Genome position (GRCh38, 1-based): chr1:155,291,760, T>A on the plus strand (A>T on the coding strand, the complement: PKLR is on the minus strand). VCF-style: chr1-155291760-T-A. GRCh37 (hg19) VCF-style: chr1-155261551-T-A.
Other names: c.1521A>T, p.Glu507Asp (NM_181871.4); c.1614A>T, p.Glu538Asp (LRG_1136t1); short protein forms E538D, E507D.
Identifiers: ClinVar variation 449546 (VCV000449546.26), dbSNP rs201217064, ClinGen allele CA1143959.

ClinVar aggregate classification (germline): Conflicting classifications of pathogenicity. Review status: criteria provided, conflicting classifications (1 of 4 stars). 5 submissions from 5 submitters: Uncertain significance (4); Likely benign (1). Last evaluated 2025-10-22.

Conditions:
Pyruvate kinase hyperactivity. Identifiers: MedGen C1863224, MONDO:0007067, OMIM 102900.
Pyruvate kinase deficiency of red cells (CNSHA2). Also called: PK DEFICIENCY; Pyruvate kinase deficiency, Amish type; PYRUVATE KINASE DEFICIENCY OF ERYTHROCYTE. Identifiers: Orphanet 766, MedGen C0340968, MONDO:0009950, OMIM 266200.

Allele frequency attached by ClinVar (database versions not stated): ESP Exome Variant Server 0.00015; 1000 Genomes Project 0.00020; gnomAD exomes 0.00029 and 0.00040; 1000 Genomes Project 30x 0.00031; TOPMed 0.00033; ExAC 0.00038; gnomAD 0.00051 and 0.00056.
gnomAD v4.1: 506 of 1,613,966 alleles (0.031%); highest among the groups gnomAD compares: Admixed American, 0.077%; 2 homozygotes.

Submissions (5):

Labcorp Genetics (formerly Invitae), Labcorp
Classification: Likely benign. Last evaluated: 2025-10-22. Review status: criteria provided, single submitter. Criteria: Invitae Variant Classification Sherloc (09022015). Collection method: clinical testing. Allele origin: germline.

CeGaT Center for Human Genetics Tuebingen
Classification: Uncertain significance. Last evaluated: 2024-08-01. Review status: criteria provided, single submitter. Criteria: CeGaT Center For Human Genetics Tuebingen Variant Classification Criteria Version 2. Collection method: clinical testing. Allele origin: germline. Affected: yes. Observed: 1 variant allele.

Revvity Omics, Revvity
Classification: Uncertain significance. Last evaluated: 2024-04-30. Review status: criteria provided, single submitter. Criteria: ACMG Guidelines, 2015. Collection method: clinical testing. Allele origin: germline.

Fulgent Genetics
Classification: Uncertain significance for Pyruvate kinase hyperactivity; Pyruvate kinase deficiency of red cells. Last evaluated: 2018-10-31. Review status: criteria provided, single submitter. Criteria: ACMG Guidelines, 2015. Collection method: clinical testing. Allele origin: unknown.

GeneDx
Classification: Uncertain significance. Last evaluated: 2017-10-03. Review status: criteria provided, single submitter. Criteria: GeneDx Variant Classification (06012015). Collection method: clinical testing. Allele origin: germline. Affected: yes.
Comment: The E538D variant in the PKLR gene has been reported previously in the heterozygous state in a single individual, however, it was not stated if this variant was found in trans with a second PKLR variant, and no phenotypic information was provided (Manco et al., 2009). The E538D variant is observed in 55/25786 (0.21%) alleles from individuals of Finnish European background, including one homozygous individual, in the ExAC dataset (Lek et al., 2016). The E538D variant is a conservative amino acid substitution, which is not likely to impact secondary protein structure as these residues share similar properties. This substitution occurs at a position that is not conserved across species. In silico analysis is inconsistent in its predictions as to whether or not the variant is damaging to the protein structure/function. We interpret E538D as a variant of uncertain significance.